The following is an entry in ClinVar:

NM_002860.4(ALDH18A1):c.933+1G>A

Gene: ALDH18A1 (aldehyde dehydrogenase 18 family member A1; minus strand). Cytogenetic location: 10q24.1.
Variant type: single nucleotide variant.
Coding change: c.933+1G>A on transcript NM_002860.4 (MANE Select); the canonical splice donor site of the intron after coding-DNA position 933, G replaced by A.
Molecular consequence: splice donor variant.
Genome position (GRCh38, 1-based): chr10:95,628,367, C>T on the plus strand (G>A on the coding strand, the complement: ALDH18A1 is on the minus strand). VCF-style: chr10-95628367-C-T. GRCh37 (hg19) VCF-style: chr10-97388124-C-T.
Other names: c.297+1G>A (NM_001323419.2); c.600+1G>A (NM_001323412.2, NM_001323416.2); c.828+1G>A (NM_001323417.2); c.927+1G>A (NM_001017423.2, NM_001323415.2); c.594+1G>A (NM_001323418.2); c.933+1G>A (NM_001323413.2, NM_001323414.2).
Identifiers: ClinVar variation 1487261 (VCV001487261.6), dbSNP rs2139593958, ClinGen allele CA377703847.

ClinVar aggregate classification (germline): Likely pathogenic (1 of 4 stars; one submission).

Conditions:
de Barsy syndrome. Also called: Cutis laxa-corneal clouding-oligophrenia syndrome. Identifiers: Orphanet 2962, MedGen C0268354, MONDO:0017569.
Autosomal dominant spastic paraplegia type 9. Identifiers: MedGen C1832669, MONDO:0015091.
Cutis laxa, autosomal dominant 3 (ADCL3). Identifiers: Orphanet 90348, MedGen C4225268, MONDO:0014706, OMIM 616603.

Submission:

Labcorp Genetics (formerly Invitae), Labcorp
Classification: Likely pathogenic for Autosomal dominant spastic paraplegia type 9; de Barsy syndrome; Cutis laxa, autosomal dominant 3. Last evaluated: 2021-10-24. Review status: criteria provided, single submitter. Criteria: Invitae Variant Classification Sherloc (09022015). Collection method: clinical testing. Allele origin: germline.
Comment: In summary, the currently available evidence indicates that the variant is pathogenic, but additional data are needed to prove that conclusively. Therefore, this variant has been classified as Likely Pathogenic. Algorithms developed to predict the effect of sequence changes on RNA splicing suggest that this variant may disrupt the consensus splice site. This variant has not been reported in the literature in individuals affected with ALDH18A1-related conditions. This variant is not present in population databases (gnomAD no frequency). This sequence change affects a donor splice site in intron 8 of the ALDH18A1 gene. It is expected to disrupt RNA splicing. Variants that disrupt the donor or acceptor splice site typically lead to a loss of protein function (PMID: 16199547), and loss-of-function variants in ALDH18A1 are known to be pathogenic (PMID: 21739576, 24913064, 28567303, 28604674, 29915212).

Literature cited by the submitters: PubMed 16199547; PubMed 21739576; PubMed 24913064; PubMed 28567303; PubMed 28604674; PubMed 29915212.